The following is an entry in ClinVar:

NM_002755.4(MAP2K1):c.5C>G (p.Pro2Arg)

Gene: MAP2K1 (mitogen-activated protein kinase kinase 1; plus strand). Cytogenetic location: 15q22.31.
Variant type: single nucleotide variant.
Coding change: c.5C>G on transcript NM_002755.4 (MANE Select); coding-DNA position 5, C replaced by G.
Protein change: p.Pro2Arg; replaces proline 2 with arginine.
Molecular consequence: missense variant.
Genome position (GRCh38, 1-based): chr15:66,387,352, C>G. VCF-style: chr15-66387352-C-G. GRCh37 (hg19) VCF-style: chr15-66679690-C-G.
Other names: short protein forms P2R.
Identifiers: ClinVar variation 1995374 (VCV001995374.4), dbSNP rs2140511591, ClinGen allele CA392931435.

ClinVar aggregate classification (germline): Uncertain significance (1 of 4 stars; one submission).

Conditions:
RASopathy. Also called: rasopathies; Noonan spectrum disorder. Identifiers: Orphanet 536391, MedGen C5555857, MONDO:0021060.

Submission:

Labcorp Genetics (formerly Invitae), Labcorp
Classification: Uncertain significance for RASopathy. Last evaluated: 2024-07-08. Review status: criteria provided, single submitter. Criteria: Invitae Variant Classification Sherloc (09022015). Collection method: clinical testing. Allele origin: germline.
Comment: This sequence change replaces proline, which is neutral and non-polar, with arginine, which is basic and polar, at codon 2 of the MAP2K1 protein (p.Pro2Arg). This variant is not present in population databases (gnomAD no frequency). This variant has not been reported in the literature in individuals affected with MAP2K1-related conditions. ClinVar contains an entry for this variant (Variation ID: 1995374). Advanced modeling of protein sequence and biophysical properties (such as structural, functional, and spatial information, amino acid conservation, physicochemical variation, residue mobility, and thermodynamic stability) performed at Invitae indicates that this missense variant is expected to disrupt MAP2K1 protein function with a positive predictive value of 95%. In summary, the available evidence is currently insufficient to determine the role of this variant in disease. Therefore, it has been classified as a Variant of Uncertain Significance.